The following is an entry in ClinVar:

ClinVar aggregate classification (germline): Pathogenic (1 of 4 stars; one submission).

Conditions:
Hereditary cancer-predisposing syndrome. Also called: Tumor predisposition; Hereditary Cancer Syndrome; Neoplastic Syndromes, Hereditary; Hereditary neoplastic syndrome. Identifiers: Orphanet 140162, MedGen C0027672, MeSH D009386, MONDO:0015356.

Submission:

Ambry Genetics
Classification: Pathogenic for Hereditary cancer-predisposing syndrome. Last evaluated: 2019-02-19. Review status: criteria provided, single submitter. Criteria: Ambry Variant Classification Scheme 2023. Collection method: clinical testing. Allele origin: germline.
Comment: The c.9779_9780delAT pathogenic mutation, located in coding exon 26 of the BRCA2 gene, results from a deletion of two nucleotides at nucleotide positions 9779 to 9780, causing a translational frameshift with a predicted alternate stop codon (p.D3260Gfs*16). This alteration is expected to result in loss of function by premature protein truncation or nonsense-mediated mRNA decay. As such, this alteration is interpreted as a disease-causing mutation.

NM_000059.4(BRCA2):c.9779_9780del (p.Asp3260fs)

Gene: BRCA2 (BRCA2 DNA repair associated; plus strand). Cytogenetic location: 13q13.1.
Variant type: Deletion.
Coding change: c.9779_9780del on transcript NM_000059.4 (MANE Select); coding-DNA positions 9779 to 9780, 2 bases deleted (AT; older notation c.9779_9780delAT).
Protein change: p.Asp3260fs; shifts the reading frame from aspartic acid 3260.
Molecular consequence: frameshift variant.
Genome position (GRCh38, 1-based): chr13:32,398,292-32,398,293, AT deleted. VCF-style (leftmost placement, unchanged base first): chr13-32398291-GAT-G. GRCh37 (hg19) VCF-style: chr13-32972428-GAT-G.
Other names: short protein forms D3260fs.
Identifiers: ClinVar variation 823471 (VCV000823471.4), dbSNP rs1593201819, ClinGen allele CA915948632.